The following is an entry in ClinVar:

ClinVar aggregate classification (germline): Pathogenic/Likely pathogenic. Review status: criteria provided, multiple submitters, no conflicts (2 of 4 stars). 4 submissions from 4 submitters: Pathogenic (3); Likely pathogenic (1). Last evaluated 2024-05-24.

Conditions:
ADGRV1-related disorder. Also called: ADGRV1-related disorders; ADGRV1-related condition.
Usher syndrome type 2C. Also called: USHER SYNDROME, TYPE IIC; Usher syndrome, type 2B. Identifiers: Orphanet 231178, Orphanet 886, MedGen C2931213, MONDO:0011558, OMIM 605472.
Febrile seizures, familial, 4 (FEB4). Also called: CONVULSIONS, FAMILIAL FEBRILE, 4. Identifiers: MedGen C1858493, MONDO:0011443, OMIM 604352.

Allele frequency attached by ClinVar (database versions not stated): gnomAD exomes below 0.00001 and 0.00001.
gnomAD v4.1: 8 of 1,613,144 alleles (0.0005%); highest among the groups gnomAD compares: Non-Finnish European, 0.00059%; no homozygotes.

Submissions (4):

Fulgent Genetics
Classification: Pathogenic for Febrile seizures, familial, 4; Usher syndrome type 2C. Last evaluated: 2024-05-24. Review status: criteria provided, single submitter. Criteria: ACMG Guidelines, 2015. Collection method: clinical testing. Allele origin: germline.

Labcorp Genetics (formerly Invitae), Labcorp
Classification: Pathogenic. Last evaluated: 2023-06-13. Review status: criteria provided, single submitter. Criteria: Invitae Variant Classification Sherloc (09022015). Collection method: clinical testing. Allele origin: germline.
Comment: For these reasons, this variant has been classified as Pathogenic. ClinVar contains an entry for this variant (Variation ID: 1075639). This premature translational stop signal has been observed in individual(s) with Usher syndrome (PMID: 22135276). This variant is present in population databases (no rsID available, gnomAD 0.0009%). This sequence change creates a premature translational stop signal (p.Arg4802*) in the ADGRV1 gene. It is expected to result in an absent or disrupted protein product. Loss-of-function variants in ADGRV1 are known to be pathogenic (PMID: 19357117, 22135276, 22147658, 26226137, 30718709, 31047384, 32467589).

PreventionGenetics, part of Exact Sciences
Classification: Pathogenic for ADGRV1-related condition. Last evaluated: 2023-05-25. Review status: criteria provided, single submitter. Criteria: ACMG Guidelines, 2015. Collection method: clinical testing. Allele origin: germline.
Comment: The ADGRV1 c.14404C>T variant is predicted to result in premature protein termination (p.Arg4802*). This variant has been documented in a patient from an Usher syndrome cohort study (Supplementary Table 2 in Le Quesne Stabej et al. 2012. PubMed ID: 22135276) and was identified along with a second variant in ADGRV1 in a patient with hearing loss (Patient 12601 in Jin et al. 2021. PubMed ID: 35062939). This variant is reported in 0.00089% of alleles in individuals of European (Non-Finnish) descent in gnomAD and has been interpreted by a single submitter in ClinVar as pathogenic. Nonsense variants in ADGRV1 are expected to be pathogenic. This variant is interpreted as pathogenic.

Blueprint Genetics
Classification: Likely pathogenic for ADGRV1-related disorders. Last evaluated: 2018-03-28. Review status: criteria provided, single submitter. Criteria: ACMG Guidelines, 2015. Collection method: clinical testing. Allele origin: germline. Affected: yes. Observed: 1 variant allele.

Literature cited by the submitters: PubMed 22135276 (cited by Labcorp Genetics (formerly Invitae), Labcorp); PubMed 19357117 (cited by Labcorp Genetics (formerly Invitae), Labcorp); PubMed 22147658 (cited by Labcorp Genetics (formerly Invitae), Labcorp); PubMed 26226137 (cited by Labcorp Genetics (formerly Invitae), Labcorp); PubMed 30718709 (cited by Labcorp Genetics (formerly Invitae), Labcorp); PubMed 31047384 (cited by Labcorp Genetics (formerly Invitae), Labcorp); PubMed 32467589 (cited by Labcorp Genetics (formerly Invitae), Labcorp).

NM_032119.4(ADGRV1):c.14404C>T (p.Arg4802Ter)

Gene: ADGRV1 (adhesion G protein-coupled receptor V1; plus strand). Cytogenetic location: 5q14.3.
Variant type: single nucleotide variant.
Coding change: c.14404C>T on transcript NM_032119.4 (MANE Select); coding-DNA position 14404, C replaced by T.
Protein change: p.Arg4802Ter; replaces arginine 4802 with a stop codon.
Molecular consequence: nonsense. On other transcripts: non-coding transcript variant (1).
Genome position (GRCh38, 1-based): chr5:90,791,233, C>T. VCF-style: chr5-90791233-C-T. GRCh37 (hg19) VCF-style: chr5-90087050-C-T.
Other names: c.14404C>T (NM_032119.3); short protein forms R4802*.
Identifiers: ClinVar variation 1075639 (VCV001075639.11), dbSNP rs1236715896, ClinGen allele CA360401792.